The following is an entry in ClinVar:

NM_006939.4(SOS2):c.772T>G (p.Leu258Val)

Gene: SOS2 (SOS Ras/Rho guanine nucleotide exchange factor 2; minus strand). Cytogenetic location: 14q21.3.
Variant type: single nucleotide variant.
Coding change: c.772T>G on transcript NM_006939.4 (MANE Select); coding-DNA position 772, T replaced by G.
Protein change: p.Leu258Val; replaces leucine 258 with valine.
Molecular consequence: missense variant.
Genome position (GRCh38, 1-based): chr14:50,182,549, A>C on the plus strand (T>G on the coding strand, the complement: SOS2 is on the minus strand). VCF-style: chr14-50182549-A-C. GRCh37 (hg19) VCF-style: chr14-50649267-A-C.
Other names: c.772T>G, p.Leu258Val (NM_001411020.1); short protein forms L258V.
Identifiers: ClinVar variation 1979049 (VCV001979049.4), dbSNP rs1595001728, ClinGen allele CA389647779.

ClinVar aggregate classification (germline): Uncertain significance (1 of 4 stars; one submission).

Conditions:
Noonan syndrome 9 (NS9). Identifiers: Orphanet 648, MedGen C4225282, MONDO:0014691, OMIM 616559.

Allele frequency attached by ClinVar (database versions not stated): TOPMed 0.00001.

Submission:

Labcorp Genetics (formerly Invitae), Labcorp
Classification: Uncertain significance for Noonan syndrome 9. Last evaluated: 2026-01-06. Review status: criteria provided, single submitter. Criteria: Invitae Variant Classification Sherloc (09022015). Collection method: clinical testing. Allele origin: germline.
Comment: This sequence change replaces leucine, which is neutral and non-polar, with valine, which is neutral and non-polar, at codon 258 of the SOS2 protein (p.Leu258Val). This variant is not present in population databases (gnomAD no frequency). This variant has not been reported in the literature in individuals affected with SOS2-related conditions. ClinVar contains an entry for this variant (Variation ID: 1979049). Invitae Evidence Modeling of protein sequence and biophysical properties (such as structural, functional, and spatial information, amino acid conservation, physicochemical variation, residue mobility, and thermodynamic stability) indicates that this missense variant is not expected to disrupt SOS2 protein function with a negative predictive value of 95%. In summary, the available evidence is currently insufficient to determine the role of this variant in disease. Therefore, it has been classified as a Variant of Uncertain Significance.